The following is an entry in ClinVar:

ClinVar aggregate classification (germline): Uncertain significance (1 of 4 stars; one submission).

Submission:

Ambry Genetics
Classification: Uncertain significance. Last evaluated: 2025-09-01. Review status: criteria provided, single submitter. Criteria: Ambry Variant Classification Scheme 2023. Collection method: clinical testing. Allele origin: germline.
Comment: The p.G136S variant (also known as c.406G>A), located in coding exon 1 of the MC1R gene, results from a G to A substitution at nucleotide position 406. The glycine at codon 136 is replaced by serine, an amino acid with similar properties. This amino acid position is conserved. In addition, this alteration is predicted to be tolerated by in silico analysis. Based on the available evidence, the clinical significance of this variant remains unclear.

NM_002386.4(MC1R):c.406G>A (p.Gly136Ser)

Gene: MC1R (melanocortin 1 receptor; plus strand). Cytogenetic location: 16q24.3.
Variant type: single nucleotide variant.
Coding change: c.406G>A on transcript NM_002386.4 (MANE Select); coding-DNA position 406, G replaced by A.
Protein change: p.Gly136Ser; replaces glycine 136 with serine.
Molecular consequence: missense variant.
Genome position (GRCh38, 1-based): chr16:89,919,664, G>A. VCF-style: chr16-89919664-G-A. GRCh37 (hg19) VCF-style: chr16-89986072-G-A.
Other names: short protein forms G136S.
Identifiers: ClinVar variation 4104884 (VCV004104884.1).
Genomic context (GRCh38, chr16:89,919,664, plus strand): 5'-CTGGACAATGTCATTGACGTGATCACCTGCAGCTCCATGCTGTCCAGCCTCTGCTTCCTG[G>A]GCGCCATCGCCGTGGACCGCTACATCTCCATCTTCTACGCACTGCGCTACCACAGCATCG-3'
Protein context (NP_002377.4, residues 126-146): SSMLSSLCFL[Gly136Ser]AIAVDRYISI